The following is an entry in ClinVar:

NM_025103.4(IFT74):c.545G>A (p.Arg182Gln)

Gene: IFT74 (intraflagellar transport 74; plus strand). Cytogenetic location: 9p21.2.
Variant type: single nucleotide variant.
Coding change: c.545G>A on transcript NM_025103.4 (MANE Select); coding-DNA position 545, G replaced by A.
Protein change: p.Arg182Gln; replaces arginine 182 with glutamine.
Molecular consequence: missense variant.
Genome position (GRCh38, 1-based): chr9:26,990,153, G>A. VCF-style: chr9-26990153-G-A. GRCh37 (hg19) VCF-style: chr9-26990151-G-A.
Other names: c.545G>A, p.Arg182Gln (NM_001099222.3, NM_001099223.3, NM_001099224.3 and 1 more transcripts); c.545G>A (NM_001099222.1); short protein forms R182Q.
Identifiers: ClinVar variation 1990814 (VCV001990814.3), dbSNP rs757613899, ClinGen allele CA5015011.

ClinVar aggregate classification (germline): Uncertain significance. Review status: criteria provided, multiple submitters, no conflicts (2 of 4 stars). 2 submissions from 2 submitters: Uncertain significance (2). Last evaluated 2025-05-16.

Conditions:
Inborn genetic diseases. Identifiers: MedGen C0950123, MeSH D030342.

Allele frequency attached by ClinVar (database versions not stated): gnomAD 0.00001; TOPMed 0.00001; ExAC 0.00003.
gnomAD v4.1: 22 of 1,495,882 alleles (0.0015%); highest among the groups gnomAD compares: South Asian, 0.015%; no homozygotes.

Submissions (2):

Ambry Genetics
Classification: Uncertain significance for Inborn genetic diseases. Last evaluated: 2025-05-16. Review status: criteria provided, single submitter. Criteria: Ambry Variant Classification Scheme 2023. Collection method: clinical testing. Allele origin: germline.

Labcorp Genetics (formerly Invitae), Labcorp
Classification: Uncertain significance. Last evaluated: 2022-10-05. Review status: criteria provided, single submitter. Criteria: Invitae Variant Classification Sherloc (09022015). Collection method: clinical testing. Allele origin: germline.
Comment: In summary, the available evidence is currently insufficient to determine the role of this variant in disease. Therefore, it has been classified as a Variant of Uncertain Significance. Algorithms developed to predict the effect of missense changes on protein structure and function (SIFT, PolyPhen-2, Align-GVGD) all suggest that this variant is likely to be tolerated. This variant has not been reported in the literature in individuals affected with IFT74-related conditions. This variant is present in population databases (rs757613899, gnomAD 0.01%). This sequence change replaces arginine, which is basic and polar, with glutamine, which is neutral and polar, at codon 182 of the IFT74 protein (p.Arg182Gln).